The following is an entry in ClinVar:

ClinVar aggregate classification (germline): Likely benign. Review status: criteria provided, multiple submitters, no conflicts (2 of 4 stars). 6 submissions from 6 submitters: Likely benign (4). 2 of the submissions do not count toward it. Last evaluated 2026-07-01.

Conditions:
Neuronal ceroid lipofuscinosis 8 northern epilepsy variant. Also called: NORTHERN EPILEPSY; EPILEPSY, PROGRESSIVE, WITH MENTAL RETARDATION. Identifiers: Orphanet 1947, MedGen C1864923, MONDO:0012391, OMIM 610003.
Neuronal ceroid lipofuscinosis 8 (CLN8). Also called: CLN8-Related Neuronal Ceroid-Lipofuscinosis. Identifiers: Orphanet 168491, Orphanet 228354, Orphanet 79264, MedGen C1838570, MONDO:0010830, OMIM 600143.
Neuronal ceroid lipofuscinosis. Also called: Neuronal Ceroid Lipofuscinoses. Identifiers: Orphanet 216, Orphanet 79263, MedGen C0027877, MONDO:0016295. Disease mechanism: loss of function.
CLN8-related disorder. Also called: CLN8-related condition.

Allele frequency attached by ClinVar (database versions not stated): gnomAD exomes 0.00004 and 0.00005; ExAC 0.00007; gnomAD 0.00008 and 0.00009; TOPMed 0.00008; ESP Exome Variant Server 0.00015.

Submissions (6):

CeGaT Center for Human Genetics Tuebingen
Classification: Likely benign. Last evaluated: 2026-07-01. Review status: criteria provided, single submitter. Criteria: CeGaT Center For Human Genetics Tuebingen Variant Classification Criteria Version 2. Collection method: clinical testing. Allele origin: germline. Affected: yes. Observed: 1 variant allele.
Comment: CLN8: BP4, BP7

Labcorp Genetics (formerly Invitae), Labcorp
Classification: Likely benign for Neuronal ceroid lipofuscinosis. Last evaluated: 2025-12-31. Review status: criteria provided, single submitter. Criteria: Invitae Variant Classification Sherloc (09022015). Collection method: clinical testing. Allele origin: germline.

Blueprint Genetics
Classification: Likely benign. Last evaluated: 2024-10-07. Review status: criteria provided, single submitter. Criteria: ACMG Guidelines, 2015. Collection method: clinical testing. Allele origin: germline.

Fulgent Genetics
Classification: Likely benign for Neuronal ceroid lipofuscinosis 8; Neuronal ceroid lipofuscinosis 8 northern epilepsy variant. Last evaluated: 2021-07-26. Review status: criteria provided, single submitter. Criteria: ACMG Guidelines, 2015. Collection method: clinical testing. Allele origin: unknown.

Natera, Inc.
Classification: Uncertain significance for Neuronal ceroid lipofuscinosis. Last evaluated: 2020-01-17. Review status: no assertion criteria provided. Collection method: clinical testing. Allele origin: germline. Not counted in ClinVar's aggregate classification.

PreventionGenetics, part of Exact Sciences
Classification: Likely benign for CLN8-related condition. Last evaluated: 2019-05-20. Review status: no assertion criteria provided. Collection method: clinical testing. Allele origin: germline. Not counted in ClinVar's aggregate classification.
Comment: This variant is classified as likely benign based on ACMG/AMP sequence variant interpretation guidelines (Richards et al. 2015 PMID: 25741868, with internal and published modifications).

NM_018941.4(CLN8):c.300G>A (p.Gln100=)

Gene: CLN8 (CLN8 transmembrane ER and ERGIC protein; plus strand). Cytogenetic location: 8p23.3.
Variant type: single nucleotide variant.
Coding change: c.300G>A on transcript NM_018941.4 (MANE Select); coding-DNA position 300, G replaced by A.
Protein change: p.Gln100=; no amino-acid change (glutamine 100 retained).
Molecular consequence: synonymous variant.
Genome position (GRCh38, 1-based): chr8:1,771,354, G>A. VCF-style: chr8-1771354-G-A. GRCh37 (hg19) VCF-style: chr8-1719520-G-A.
Identifiers: ClinVar variation 700161 (VCV000700161.17), dbSNP rs148988002, ClinGen allele CA4599245.
Genomic context (GRCh38, chr8:1,771,354, plus strand): 5'-AGGCCTGTGGGCTCTGCTGGGGGACCCTGTGCTGCATGCCGACAAGGCGCGTGGCCAGCA[G>A]AACTGGTGCTGGTTTCACATCACGACAGCAACGGGATTCTTTTGCTTTGAAAATGTTGCA-3'
Protein context (NP_061764.2, residues 90-110): VLHADKARGQ[Gln100=]NWCWFHITTA